The following is an entry in ClinVar:

ClinVar aggregate classification (germline): Uncertain significance (1 of 4 stars; one submission).

Conditions:
Lower motor neuron syndrome with late-adult onset (SMAJ). Also called: Spinal muscular atrophy, Jokela type; Late-Onset Spinal Motor Neuronopathy (SMAJ). Identifiers: Orphanet 276435, MedGen C3554398, MONDO:0014025, OMIM 615048.
Frontotemporal dementia and/or amyotrophic lateral sclerosis 2. Also called: FTDALS2. Identifiers: Orphanet 275872, MedGen C4014648, MONDO:0014395, OMIM 615911.
Autosomal dominant mitochondrial myopathy with exercise intolerance (IMMD). Also called: Myopathy, isolated mitochondrial, autosomal dominant. Identifiers: Orphanet 457050, MedGen C4015513, MONDO:0014532, OMIM 616209.

gnomAD v4.1: 1 of 1,518,206 alleles (0.000066%); no homozygotes.

Submission:

Labcorp Genetics (formerly Invitae), Labcorp
Classification: Uncertain significance for Lower motor neuron syndrome with late-adult onset; Frontotemporal dementia and/or amyotrophic lateral sclerosis 2; Autosomal dominant mitochondrial myopathy with exercise intolerance. Last evaluated: 2024-04-05. Review status: criteria provided, single submitter. Criteria: Invitae Variant Classification Sherloc (09022015). Collection method: clinical testing. Allele origin: germline.
Comment: This sequence change replaces arginine, which is basic and polar, with serine, which is neutral and polar, at codon 6 of the CHCHD10 protein (p.Arg6Ser). This variant is not present in population databases (gnomAD no frequency). This variant has not been reported in the literature in individuals affected with CHCHD10-related conditions. ClinVar contains an entry for this variant (Variation ID: 1912378). Experimental studies and prediction algorithms are not available or were not evaluated, and the functional significance of this variant is currently unknown. In summary, the available evidence is currently insufficient to determine the role of this variant in disease. Therefore, it has been classified as a Variant of Uncertain Significance.

NM_213720.3(CHCHD10):c.16C>A (p.Arg6Ser)

Gene: CHCHD10 (coiled-coil-helix-coiled-coil-helix domain containing 10; minus strand). Cytogenetic location: 22q11.23.
Variant type: single nucleotide variant.
Coding change: c.16C>A on transcript NM_213720.3 (MANE Select); coding-DNA position 16, C replaced by A.
Protein change: p.Arg6Ser; replaces arginine 6 with serine.
Molecular consequence: missense variant. On other transcripts: non-coding transcript variant (2).
Genome position (GRCh38, 1-based): chr22:23,767,859, G>T on the plus strand (C>A on the coding strand, the complement: CHCHD10 is on the minus strand). VCF-style: chr22-23767859-G-T. GRCh37 (hg19) VCF-style: chr22-24110046-G-T.
Other names: c.16C>A, p.Arg6Ser (NM_001301339.2); short protein forms R6S.
Identifiers: ClinVar variation 1912378 (VCV001912378.5), dbSNP rs751472303, ClinGen allele CA322574467.